The following is an entry in ClinVar:

NM_000642.3(AGL):c.4310A>G (p.Tyr1437Cys)

Gene: AGL (amylo-alpha-1,6-glucosidase and 4-alpha-glucanotransferase; plus strand). Cytogenetic location: 1p21.2.
Variant type: single nucleotide variant.
Coding change: c.4310A>G on transcript NM_000642.3 (MANE Select); coding-DNA position 4310, A replaced by G.
Protein change: p.Tyr1437Cys; replaces tyrosine 1437 with cysteine.
Molecular consequence: missense variant.
Genome position (GRCh38, 1-based): chr1:99,916,460, A>G. VCF-style: chr1-99916460-A-G. GRCh37 (hg19) VCF-style: chr1-100382016-A-G.
Other names: c.4262A>G, p.Tyr1421Cys (NM_000646.3); c.4310A>G, p.Tyr1437Cys (NM_001425325.1, NM_000643.3, NM_000644.3 and 1 more transcripts); c.4289A>G, p.Tyr1430Cys (NM_001425326.1); c.4109A>G, p.Tyr1370Cys (NM_001425327.1); c.4106A>G, p.Tyr1369Cys (NM_001425328.1); c.3971A>G, p.Tyr1324Cys (NM_001425329.1); c.3932A>G, p.Tyr1311Cys (NM_001425332.1); short protein forms Y1421C, Y1437C, Y1311C, Y1324C, Y1369C, Y1370C, Y1430C.
Identifiers: ClinVar variation 1369412 (VCV001369412.5), dbSNP rs902469758, ClinGen allele CA27560024.

ClinVar aggregate classification (germline): Uncertain significance (1 of 4 stars; one submission).

Conditions:
Glycogen storage disease type III (GSD3). Also called: Cori disease; FORBES DISEASE. Identifiers: Orphanet 366, MedGen C0017922, MONDO:0009291, OMIM 232400.

Allele frequency attached by ClinVar (database versions not stated): gnomAD exomes below 0.00001 and 0.00001; TOPMed below 0.00001.
gnomAD v4.1: 10 of 1,612,842 alleles (0.00062%); highest among the groups gnomAD compares: South Asian, 0.0022%; no homozygotes.

Submission:

Labcorp Genetics (formerly Invitae), Labcorp
Classification: Uncertain significance for Glycogen storage disease type III. Last evaluated: 2021-09-24. Review status: criteria provided, single submitter. Criteria: Invitae Variant Classification Sherloc (09022015). Collection method: clinical testing. Allele origin: germline.
Comment: This sequence change replaces tyrosine with cysteine at codon 1437 of the AGL protein (p.Tyr1437Cys). The tyrosine residue is moderately conserved and there is a large physicochemical difference between tyrosine and cysteine. This variant is not present in population databases (ExAC no frequency). This variant has not been reported in the literature in individuals with AGL-related conditions. Algorithms developed to predict the effect of missense changes on protein structure and function (SIFT, PolyPhen-2, Align-GVGD) all suggest that this variant is likely to be tolerated, but these predictions have not been confirmed by published functional studies and their clinical significance is uncertain. In summary, the available evidence is currently insufficient to determine the role of this variant in disease. Therefore, it has been classified as a Variant of Uncertain Significance.